The following is an entry in ClinVar:

NM_001267550.2(TTN):c.20175A>G (p.Ile6725Met)

Genes: TTN (titin; minus strand), LOC126806429 (BRD4-independent group 4 enhancer GRCh37_chr2:179591393-179592592; plus strand). Cytogenetic location: 2q31.2.
Variant type: single nucleotide variant.
Coding change: c.20175A>G on transcript NM_001267550.2 (MANE Select); coding-DNA position 20175, A replaced by G.
Protein change: p.Ile6725Met; replaces isoleucine 6725 with methionine.
Molecular consequence: missense variant. On other transcripts: intron variant (3).
Genome position (GRCh38, 1-based): chr2:178,727,190, T>C on the plus strand (A>G on the coding strand, the complement: TTN is on the minus strand). VCF-style: chr2-178727190-T-C. GRCh37 (hg19) VCF-style: chr2-179591917-T-C.
Other names: p.I6408M:ATA>ATG; p.Ile6408Met; c.19224A>G, p.Ile6408Met (NM_001256850.1); c.16443A>G, p.Ile5481Met (NM_133378.4); c.13282+10892A>G (NM_003319.4); c.13858+10892A>G (NM_133437.4); c.13657+10892A>G (NM_133432.3); short protein forms I6725M, I5481M, I6408M.
Identifiers: ClinVar variation 46667 (VCV000046667.49), dbSNP rs146627500, ClinGen allele CA138899.

ClinVar aggregate classification (germline): Conflicting classifications of pathogenicity. Review status: criteria provided, conflicting classifications (1 of 4 stars). 23 submissions from 19 submitters: Uncertain significance (1); Benign (12); Likely benign (5). 5 of the submissions do not count toward it. Last evaluated 2026-02-03.

Conditions:
Dilated cardiomyopathy 1G (CMD1G). Identifiers: Orphanet 154, MedGen C1858763, MONDO:0011400, OMIM 604145.
Autosomal recessive limb-girdle muscular dystrophy type 2J (LGMDR10). Also called: MUSCULAR DYSTROPHY, LIMB-GIRDLE, AUTOSOMAL RECESSIVE 10; Limb-girdle muscular dystrophy, type 2J. Identifiers: Orphanet 140922, MedGen C1837342, MONDO:0012127, OMIM 608807.
Cardiomyopathy (CMYO). Also called: Cardiomyopathies. Identifiers: Orphanet 167848, MedGen C0878544, MONDO:0004994, HP:0001638. Inheritance: Various modes of inheritance.
Early-onset myopathy with fatal cardiomyopathy (CMYO5). Also called: CONGENITAL MYOPATHY 5 WITH CARDIOMYOPATHY; Salih Myopathy. Identifiers: Orphanet 289377, MedGen C2673677, MONDO:0012714, OMIM 611705. Disease mechanism: loss of function.
Myopathy, myofibrillar, 9, with early respiratory failure (MFM9). Also called: Myopathy, distal, with early respiratory failure, autosomal dominant; Hereditary myopathy with early respiratory failure; MYOPATHY, PROXIMAL, WITH EARLY RESPIRATORY MUSCLE INVOLVEMENT; EDSTROM MYOPATHY. Identifiers: Orphanet 178464, Orphanet 34521, MedGen C1863599, MONDO:0011362, OMIM 603689.
Primary dilated cardiomyopathy (DCM). Also called: Dilated Cardiomyopathy. Identifiers: Orphanet 217604, MedGen C0007193, MeSH D002311, MONDO:0005021, HP:0001644. Inheritance: Various modes of inheritance.
Tibial muscular dystrophy (TMD). Also called: Udd Distal Myopathy – Tibial Muscular Dystrophy; Tibial muscular dystrophy, tardive; UDD MYOPATHY. Identifiers: Orphanet 609, MedGen C1838244, MONDO:0010870, OMIM 600334.

Allele frequency attached by ClinVar (database versions not stated): ESP Exome Variant Server 0.00149; 1000 Genomes Project 0.00599; gnomAD exomes 0.00219 and 0.00373; ExAC 0.00428; 1000 Genomes Project 30x 0.00593; gnomAD 0.00104 and 0.00178; TOPMed 0.00104.
gnomAD v4.1: 3,503 of 1,613,298 alleles (0.22%); highest among the groups gnomAD compares: South Asian, 2.1%; 52 homozygotes.

Submissions (23):

Labcorp Genetics (formerly Invitae), Labcorp
Classification: Benign for Dilated cardiomyopathy 1G; Autosomal recessive limb-girdle muscular dystrophy type 2J. Last evaluated: 2026-02-03. Review status: criteria provided, single submitter. Criteria: Invitae Variant Classification Sherloc (09022015). Collection method: clinical testing. Allele origin: germline.

ARUP Laboratories, Molecular Genetics and Genomics, ARUP Laboratories
Classification: Benign. Last evaluated: 2025-06-23. Review status: criteria provided, single submitter. Criteria: ARUP Molecular Germline Variant Investigation Process 2024. Collection method: clinical testing. Allele origin: germline.

Molecular Diagnostic Laboratory for Inherited Cardiovascular Disease, Montreal Heart Institute
Classification: Benign. Last evaluated: 2025-04-09. Review status: criteria provided, single submitter. Criteria: ACMG Guidelines, 2015. Collection method: clinical testing. Allele origin: germline. Affected: no.

Athena Diagnostics
Classification: Benign. Last evaluated: 2025-01-21. Review status: criteria provided, single submitter. Criteria: Athena Diagnostics Criteria. Collection method: clinical testing. Allele origin: unknown.
Comment: The frequency of this variant in the general population is higher than would generally be expected for pathogenic variants in this gene.

Mayo Clinic Laboratories, Mayo Clinic
Classification: Benign. Last evaluated: 2023-06-16. Review status: criteria provided, single submitter. Criteria: ACMG Guidelines, 2015. Collection method: clinical testing. Allele origin: germline. Observed: 10 variant alleles.
Comment: BS1, BS2

Women's Health and Genetics/Laboratory Corporation of America, LabCorp
Classification: Likely benign. Last evaluated: 2020-01-06. Review status: criteria provided, single submitter. Criteria: LabCorp Variant Classification Summary - May 2015. Collection method: clinical testing. Allele origin: germline.

CHEO Genetics Diagnostic Laboratory, Children's Hospital of Eastern Ontario
Classification: Benign for Cardiomyopathy. Last evaluated: 2019-05-30. Review status: criteria provided, single submitter. Criteria: ACMG Guidelines, 2015. Collection method: clinical testing. Allele origin: germline.

Illumina Laboratory Services, Illumina
Classification: Likely benign for Autosomal recessive limb-girdle muscular dystrophy type 2J. Last evaluated: 2018-01-13. Review status: criteria provided, single submitter. Criteria: ICSL Variant Classification Criteria 13 December 2019. Collection method: clinical testing. Allele origin: germline.
Comment: This variant was observed in the ICSL laboratory as part of a predisposition screen in an ostensibly healthy population. It had not been previously curated by ICSL or reported in the Human Gene Mutation Database (HGMD: prior to June 1st, 2018), and was therefore a candidate for classification through an automated scoring system. Utilizing variant allele frequency, disease prevalence and penetrance estimates, and inheritance mode, an automated score was calculated to assess if this variant is too frequent to cause the disease. Based on the score and internal cut-off values, a variant classified as likely benign is not then subjected to further curation. The score for this variant resulted in a classification of likely benign for this disease.

Illumina Laboratory Services, Illumina
Classification: Benign for Myopathy, myofibrillar, 9, with early respiratory failure. Last evaluated: 2018-01-13. Review status: criteria provided, single submitter. Criteria: ICSL Variant Classification Criteria 13 December 2019. Collection method: clinical testing. Allele origin: germline.
Comment: This variant was observed in the ICSL laboratory as part of a predisposition screen in an ostensibly healthy population. It had not been previously curated by ICSL or reported in the Human Gene Mutation Database (HGMD: prior to June 1st, 2018), and was therefore a candidate for classification through an automated scoring system. Utilizing variant allele frequency, disease prevalence and penetrance estimates, and inheritance mode, an automated score was calculated to assess if this variant is too frequent to cause the disease. Based on the score and internal cut-off values, a variant classified as benign is not then subjected to further curation. The score for this variant resulted in a classification of benign for this disease.

Illumina Laboratory Services, Illumina
Classification: Likely benign for Dilated cardiomyopathy 1G. Last evaluated: 2018-01-13. Review status: criteria provided, single submitter. Criteria: ICSL Variant Classification Criteria 13 December 2019. Collection method: clinical testing. Allele origin: germline.
Comment: the same text as in the submission from Illumina Laboratory Services, Illumina above.

Illumina Laboratory Services, Illumina
Classification: Likely benign for Early-onset myopathy with fatal cardiomyopathy. Last evaluated: 2018-01-13. Review status: criteria provided, single submitter. Criteria: ICSL Variant Classification Criteria 13 December 2019. Collection method: clinical testing. Allele origin: germline.
Comment: the same text as in the submission from Illumina Laboratory Services, Illumina above.

Illumina Laboratory Services, Illumina
Classification: Benign for Tibial muscular dystrophy. Last evaluated: 2018-01-13. Review status: criteria provided, single submitter. Criteria: ICSL Variant Classification Criteria 13 December 2019. Collection method: clinical testing. Allele origin: germline.
Comment: the same text as in the submission from Illumina Laboratory Services, Illumina above.

Center for Advanced Laboratory Medicine, UC San Diego Health, University of California San Diego
Classification: Benign for Dilated cardiomyopathy. Last evaluated: 2017-02-28. Review status: criteria provided, single submitter. Criteria: ACMG Guidelines, 2015. Collection method: clinical testing. Allele origin: germline. Affected: yes. Observed: 1 variant allele.

GeneDx
Classification: Benign. Last evaluated: 2016-02-08. Review status: criteria provided, single submitter. Criteria: GeneDx Variant Classification (06012015). Collection method: clinical testing. Allele origin: germline. Affected: yes.
Comment: This variant is considered likely benign or benign based on one or more of the following criteria: it is a conservative change, it occurs at a poorly conserved position in the protein, it is predicted to be benign by multiple in silico algorithms, and/or has population frequency not consistent with disease.

Eurofins Ntd Llc (ga)
Classification: Benign. Last evaluated: 2015-09-01. Review status: criteria provided, single submitter. Criteria: EGL Classification Definitions 2015. Collection method: clinical testing. Allele origin: germline. Observed: 1 variant allele, 1 heterozygote.

Laboratory for Molecular Medicine, Mass General Brigham Personalized Medicine
Classification: Benign. Last evaluated: 2015-02-25. Review status: criteria provided, single submitter. Criteria: LMM Criteria. Collection method: clinical testing. Allele origin: germline. Observed: 13 variant alleles.
Comment: p.Ile5481Met in exon 66 of TTN: This variant is not expected to have clinical si gnificance because it has been identified in 2.3% (383/16492) of South Asian chr omosomes by the Exome Aggregation Consortium (ExAC, rg; dbSNP rs146627500).

Genetic Services Laboratory, University of Chicago
Classification: Uncertain significance. Last evaluated: 2014-03-17. Review status: criteria provided, single submitter. Criteria: ACMG Guidelines, 2007. Collection method: clinical testing. Allele origin: germline.

Biesecker Lab/Clinical Genomics Section, National Institutes of Health
Classification: Likely benign. Last evaluated: 2013-06-24. Review status: criteria provided, single submitter. Criteria: Ng et al. (Circ Cardiovasc Genet. 2013). Collection method: research. Allele origin: unknown. Observed: 3 variant alleles. Study: ClinSeq.
Comment: The study set was not selected for affection status in relation to any cancer. Pathogenicity categories were based on literature curation. See Pubmed ID:23861362 for details.

Medical sequencing

Clinical Genetics DNA and cytogenetics Diagnostics Lab, Erasmus MC, Erasmus Medical Center
Classification: Likely benign. Review status: no assertion criteria provided. Collection method: clinical testing. Allele origin: germline. Affected: yes. Study: VKGL Data-share Consensus. Not counted in ClinVar's aggregate classification.

Clinical Genetics, Academic Medical Center
Classification: Benign. Review status: no assertion criteria provided. Collection method: clinical testing. Allele origin: germline. Affected: yes. Study: VKGL Data-share Consensus. Not counted in ClinVar's aggregate classification.

Diagnostic Laboratory, Department of Genetics, University Medical Center Groningen
Classification: Likely benign. Review status: no assertion criteria provided. Collection method: clinical testing. Allele origin: germline. Affected: yes. Study: VKGL Data-share Consensus. Not counted in ClinVar's aggregate classification.

Joint Genome Diagnostic Labs from Nijmegen and Maastricht, Radboudumc and MUMC+
Classification: Benign. Review status: no assertion criteria provided. Collection method: clinical testing. Allele origin: germline. Affected: yes. Study: VKGL Data-share Consensus. Not counted in ClinVar's aggregate classification.

Laboratory of Diagnostic Genome Analysis, Leiden University Medical Center (LUMC)
Classification: Likely benign. Review status: no assertion criteria provided. Collection method: clinical testing. Allele origin: germline. Affected: yes. Study: VKGL Data-share Consensus. Not counted in ClinVar's aggregate classification.

Literature cited by the submitters: PubMed 23861362 (cited by Athena Diagnostics).